The following is an entry in ClinVar:

NM_001001557.4(GDF6):c.707C>T (p.Ala236Val)

Gene: GDF6 (growth differentiation factor 6; minus strand). Cytogenetic location: 8q22.1.
Variant type: single nucleotide variant.
Coding change: c.707C>T on transcript NM_001001557.4 (MANE Select); coding-DNA position 707, C replaced by T.
Protein change: p.Ala236Val; replaces alanine 236 with valine.
Molecular consequence: missense variant.
Genome position (GRCh38, 1-based): chr8:96,145,224, G>A on the plus strand (C>T on the coding strand, the complement: GDF6 is on the minus strand). VCF-style: chr8-96145224-G-A. GRCh37 (hg19) VCF-style: chr8-97157452-G-A.
Other names: short protein forms A236V.
Identifiers: ClinVar variation 1511493 (VCV001511493.8), dbSNP rs781041300, ClinGen allele CA4815423.

ClinVar aggregate classification (germline): Uncertain significance (1 of 4 stars; one submission).

Conditions:
Klippel-Feil syndrome 1, autosomal dominant (KFS1). Also called: CERVICAL VERTEBRAL FUSION, AUTOSOMAL DOMINANT. Identifiers: Orphanet 2345, MedGen C1861689, MONDO:0007306, OMIM 118100.
Isolated microphthalmia 4. Identifiers: Orphanet 2542, MedGen C2751307, MONDO:0013130, OMIM 613094.
Microphthalmia, isolated, with coloboma 6 (MCOPCB6). Also called: Microphthalmia with coloboma 6, digenic; Microphthalmia with coloboma 6; MICROPHTHALMIA/COLOBOMA 6. Identifiers: Orphanet 98938, MedGen C3150968, MONDO:0013376, OMIM 613703.
Leber congenital amaurosis 17 (LCA17). Identifiers: Orphanet 65, MedGen C3715164, MONDO:0014145, OMIM 615360.

Allele frequency attached by ClinVar (database versions not stated): TOPMed 0.00001; ExAC 0.00020.
gnomAD v4.1: 7 of 1,511,972 alleles (0.00046%); highest among the groups gnomAD compares: South Asian, 0.0025%; no homozygotes.

Submission:

Labcorp Genetics (formerly Invitae), Labcorp
Classification: Uncertain significance for Isolated microphthalmia 4; Leber congenital amaurosis 17; Klippel-Feil syndrome 1, autosomal dominant; Microphthalmia, isolated, with coloboma 6. Last evaluated: 2024-04-08. Review status: criteria provided, single submitter. Criteria: Invitae Variant Classification Sherloc (09022015). Collection method: clinical testing. Allele origin: germline.
Comment: This sequence change replaces alanine, which is neutral and non-polar, with valine, which is neutral and non-polar, at codon 236 of the GDF6 protein (p.Ala236Val). This variant is present in population databases (rs781041300, gnomAD 0.01%). This variant has not been reported in the literature in individuals affected with GDF6-related conditions. ClinVar contains an entry for this variant (Variation ID: 1511493). Advanced modeling of protein sequence and biophysical properties (such as structural, functional, and spatial information, amino acid conservation, physicochemical variation, residue mobility, and thermodynamic stability) performed at Invitae indicates that this missense variant is not expected to disrupt GDF6 protein function with a negative predictive value of 80%. In summary, the available evidence is currently insufficient to determine the role of this variant in disease. Therefore, it has been classified as a Variant of Uncertain Significance.